The following is an entry in ClinVar:

ClinVar aggregate classification (germline): Uncertain significance (1 of 4 stars; one submission).

Conditions:
Oligodontia-cancer predisposition syndrome. Also called: TOOTH AGENESIS-COLORECTAL CANCER SYNDROME. Identifiers: Orphanet 300576, MedGen C1837750, MONDO:0012075, OMIM 608615. Disease mechanism: loss of function.

Submission:

Labcorp Genetics (formerly Invitae), Labcorp
Classification: Uncertain significance for Oligodontia-cancer predisposition syndrome. Last evaluated: 2023-10-17. Review status: criteria provided, single submitter. Criteria: Invitae Variant Classification Sherloc (09022015). Collection method: clinical testing. Allele origin: germline.
Comment: This variant, c.2519_2521dup, results in the insertion of 1 amino acid(s) of the AXIN2 protein (p.Glu840_Arg841insGln), but otherwise preserves the integrity of the reading frame. This variant is not present in population databases (gnomAD no frequency). This variant has not been reported in the literature in individuals affected with AXIN2-related conditions. In summary, the available evidence is currently insufficient to determine the role of this variant in disease. Therefore, it has been classified as a Variant of Uncertain Significance.

NM_004655.4(AXIN2):c.2519_2521dup (p.Glu840_Arg841insGln)

Gene: AXIN2 (axin 2; minus strand). Cytogenetic location: 17q24.1.
Variant type: Duplication.
Coding change: c.2519_2521dup on transcript NM_004655.4 (MANE Select); coding-DNA positions 2519 to 2521, 3 bases duplicated (AGC; older notation c.2519_2521dupAGC).
Protein change: p.Glu840_Arg841insGln.
Molecular consequence: inframe insertion.
Genome position (GRCh38, 1-based): chr17:65,529,987-65,529,989, GCT duplicated on the plus strand (AGC on the coding strand, the reverse complement: AXIN2 is on the minus strand). VCF-style (leftmost placement, unchanged base first): chr17-65529986-C-CGCT. GRCh37 (hg19) VCF-style: chr17-63526104-C-CGCT.
Other names: c.2324_2326dup, p.Glu775_Arg776insGln (NM_001363813.1).
Identifiers: ClinVar variation 2769234 (VCV002769234.3), dbSNP rs2509367698, ClinGen allele CA2697555102.